The following is an entry in ClinVar:

ClinVar aggregate classification (germline): Uncertain significance. Review status: criteria provided, multiple submitters, no conflicts (2 of 4 stars). 2 submissions from 2 submitters: Uncertain significance (2). Last evaluated 2025-12-03.

Conditions:
Hereditary cancer-predisposing syndrome. Also called: Tumor predisposition; Hereditary neoplastic syndrome; Neoplastic Syndromes, Hereditary; Hereditary Cancer Syndrome. Identifiers: Orphanet 140162, MedGen C0027672, MeSH D009386, MONDO:0015356.
Neuroblastoma, susceptibility to, 3. Also called: ALK-Related Neuroblastic Tumor Susceptibility. Identifiers: Orphanet 635, MedGen C2751681, MONDO:0013083, OMIM 613014.

Allele frequency attached by ClinVar (database versions not stated): TOPMed below 0.00001.
gnomAD v4.1: 1 of 1,595,354 alleles (0.000063%); highest among the groups gnomAD compares: Non-Finnish European, 0.000085%; no homozygotes.

Submissions (2):

Labcorp Genetics (formerly Invitae), Labcorp
Classification: Uncertain significance for Neuroblastoma, susceptibility to, 3. Last evaluated: 2025-12-03. Review status: criteria provided, single submitter. Criteria: Invitae Variant Classification Sherloc (09022015). Collection method: clinical testing. Allele origin: germline.
Comment: This sequence change replaces arginine, which is basic and polar, with glutamine, which is neutral and polar, at codon 1432 of the ALK protein (p.Arg1432Gln). This variant is not present in population databases (gnomAD no frequency). This variant has not been reported in the literature in individuals affected with ALK-related conditions. ClinVar contains an entry for this variant (Variation ID: 937696). An algorithm developed to predict the effect of missense changes on protein structure and function outputs the following: PolyPhen-2: "Benign". The glutamine amino acid residue is found in multiple mammalian species, which suggests that this missense change does not adversely affect protein function. In summary, the available evidence is currently insufficient to determine the role of this variant in disease. Therefore, it has been classified as a Variant of Uncertain Significance.

Ambry Genetics
Classification: Uncertain significance for Hereditary cancer-predisposing syndrome. Last evaluated: 2024-04-27. Review status: criteria provided, single submitter. Criteria: Ambry Variant Classification Scheme 2023. Collection method: clinical testing. Allele origin: germline.
Comment: The p.R1432Q variant (also known as c.4295G>A), located in coding exon 29 of the ALK gene, results from a G to A substitution at nucleotide position 4295. The arginine at codon 1432 is replaced by glutamine, an amino acid with highly similar properties. This amino acid position is conserved. In addition, this alteration is predicted to be tolerated by in silico analysis. Based on the available evidence, the clinical significance of this variant remains unclear.

NM_004304.5(ALK):c.4295G>A (p.Arg1432Gln)

Gene: ALK (ALK receptor tyrosine kinase; minus strand). Cytogenetic location: 2p23.2.
Variant type: single nucleotide variant.
Coding change: c.4295G>A on transcript NM_004304.5 (MANE Select); coding-DNA position 4295, G replaced by A.
Protein change: p.Arg1432Gln; replaces arginine 1432 with glutamine.
Molecular consequence: missense variant.
Genome position (GRCh38, 1-based): chr2:29,193,792, C>T on the plus strand (G>A on the coding strand, the complement: ALK is on the minus strand). VCF-style: chr2-29193792-C-T. GRCh37 (hg19) VCF-style: chr2-29416658-C-T.
Other names: c.1091G>A, p.Arg364Gln (NM_001353765.2); short protein forms R364Q, R1432Q.
Identifiers: ClinVar variation 937696 (VCV000937696.10), dbSNP rs1374838786, ClinGen allele CA346462757.